The following is an entry in ClinVar:

NM_004612.4(TGFBR1):c.161G>A (p.Cys54Tyr)

Gene: TGFBR1 (transforming growth factor beta receptor 1; plus strand). Cytogenetic location: 9q22.33.
Variant type: single nucleotide variant.
Coding change: c.161G>A on transcript NM_004612.4 (MANE Select); coding-DNA position 161, G replaced by A.
Protein change: p.Cys54Tyr; replaces cysteine 54 with tyrosine.
Molecular consequence: missense variant. On other transcripts: non-coding transcript variant (4), intron variant (3), 5 prime UTR variant (15).
Genome position (GRCh38, 1-based): chr9:99,128,918, G>A. VCF-style: chr9-99128918-G-A. GRCh37 (hg19) VCF-style: chr9-101891200-G-A.
Other names: c.98-3591G>A (NM_001407436.1); c.98-8941G>A (NM_001407438.1); c.98-13618G>A (NM_001407437.1); c.161G>A, p.Cys54Tyr (NM_001130916.3, NM_001306210.2, NM_001407416.1 and 2 more transcripts); c.-47G>A (NM_001407418.1, NM_001407419.1, NM_001407420.1 and 12 more transcripts); short protein forms C54Y.
Identifiers: ClinVar variation 3224336 (VCV003224336.2), dbSNP rs2490105787, ClinGen allele CA374225296.

ClinVar aggregate classification (germline): Uncertain significance. Review status: criteria provided, multiple submitters, no conflicts (2 of 4 stars). 2 submissions from 2 submitters: Uncertain significance (2). Last evaluated 2025-07-09.

Conditions:
Familial thoracic aortic aneurysm and aortic dissection (TAAD). Also called: Thoracic aortic aneurysms and dissections. Identifiers: Orphanet 91387, MedGen C4707243, MONDO:0019625.

Submissions (2):

Labcorp Genetics (formerly Invitae), Labcorp
Classification: Uncertain significance for Familial thoracic aortic aneurysm and aortic dissection. Last evaluated: 2025-07-09. Review status: criteria provided, single submitter. Criteria: Invitae Variant Classification Sherloc (09022015). Collection method: clinical testing. Allele origin: germline.
Comment: This sequence change replaces cysteine, which is neutral and slightly polar, with tyrosine, which is neutral and polar, at codon 54 of the TGFBR1 protein (p.Cys54Tyr). This variant is not present in population databases (gnomAD no frequency). This variant has not been reported in the literature in individuals affected with TGFBR1-related conditions. ClinVar contains an entry for this variant (Variation ID: 3224336). Invitae Evidence Modeling of protein sequence and biophysical properties (such as structural, functional, and spatial information, amino acid conservation, physicochemical variation, residue mobility, and thermodynamic stability) indicates that this missense variant is expected to disrupt TGFBR1 protein function with a positive predictive value of 95%. In summary, the available evidence is currently insufficient to determine the role of this variant in disease. Therefore, it has been classified as a Variant of Uncertain Significance.

Ambry Genetics
Classification: Uncertain significance for Familial thoracic aortic aneurysm and aortic dissection. Last evaluated: 2023-11-05. Review status: criteria provided, single submitter. Criteria: Ambry Variant Classification Scheme 2023. Collection method: clinical testing. Allele origin: germline.
Comment: The p.C54Y variant (also known as c.161G>A), located in coding exon 2 of the TGFBR1 gene, results from a G to A substitution at nucleotide position 161. The cysteine at codon 54 is replaced by tyrosine, an amino acid with highly dissimilar properties. This amino acid position is conserved. In addition, this alteration is predicted to be deleterious by in silico analysis. Since supporting evidence is limited at this time, the clinical significance of this alteration remains unclear.